The following is an entry in ClinVar:

ClinVar aggregate classification (germline): Uncertain significance (1 of 4 stars; one submission).

Allele frequency attached by ClinVar (database versions not stated): gnomAD exomes below 0.00001.
gnomAD v4.1: 4 of 1,484,508 alleles (0.00027%); highest among the groups gnomAD compares: Non-Finnish European, 0.00037%; no homozygotes.

Submission:

Labcorp Genetics (formerly Invitae), Labcorp
Classification: Uncertain significance. Last evaluated: 2022-02-04. Review status: criteria provided, single submitter. Criteria: Invitae Variant Classification Sherloc (09022015). Collection method: clinical testing. Allele origin: germline.
Comment: In summary, the available evidence is currently insufficient to determine the role of this variant in disease. Therefore, it has been classified as a Variant of Uncertain Significance. Algorithms developed to predict the effect of sequence changes on RNA splicing suggest that this variant is not likely to affect RNA splicing. This variant has not been reported in the literature in individuals affected with GINS1-related conditions. This variant is not present in population databases (gnomAD no frequency). This sequence change affects codon 80 of the GINS1 mRNA. It is a 'silent' change, meaning that it does not change the encoded amino acid sequence of the GINS1 protein. It affects a nucleotide within the consensus splice site.

NM_021067.5(GINS1):c.238C>T (p.Leu80=)

Gene: GINS1 (GINS complex subunit 1; plus strand). Cytogenetic location: 20p11.21.
Variant type: single nucleotide variant.
Coding change: c.238C>T on transcript NM_021067.5 (MANE Select); coding-DNA position 238, C replaced by T.
Protein change: p.Leu80=; no amino-acid change (leucine 80 retained).
Molecular consequence: synonymous variant. On other transcripts: non-coding transcript variant (1).
Genome position (GRCh38, 1-based): chr20:25,417,201, C>T. VCF-style: chr20-25417201-C-T. GRCh37 (hg19) VCF-style: chr20-25397837-C-T.
Identifiers: ClinVar variation 1494856 (VCV001494856.8), dbSNP rs1404613931, ClinGen allele CA509886441.